The following is an entry in ClinVar:

ClinVar aggregate classification (germline): Uncertain significance (0 of 4 stars; one submission).

gnomAD v4.1: 1 of 1,589,932 alleles (0.000063%); highest among the groups gnomAD compares: Admixed American, 0.0017%; no homozygotes.

Submission:

Department of Pathology and Laboratory Medicine, Sinai Health System
Classification: Uncertain significance. Review status: no assertion criteria provided. Collection method: clinical testing. Allele origin: unknown. Affected: yes. Study: The Canadian Open Genetics Repository (COGR).
Comment: The OPLAH p.Arg1173Cys variant was not identified in the literature nor was it identified in dbSNP, ClinVar, Cosmic, or LOVD 3.0. The variant was identified in control databases in 1 of 137844 chromosomes at a frequency of 0.000007 (Genome Aggregation Database Feb 27, 2017). The variant was observed in the following populations: Latino in 1 of 22790 chromosomes (freq: 0.000044), while the variant was not observed in the African, Ashkenazi Jewish, East Asian, European (Finnish), European (non-Finnish), Other, and South Asian populations. The variant occurs outside of the splicing consensus sequence and in silico or computational prediction software programs (SpliceSiteFinder, MaxEntScan, NNSPLICE, GeneSplicer) do not predict a difference in splicing. The p.Arg1173 residue is conserved in mammals but not in more distantly related organisms, and computational analyses (PolyPhen-2, SIFT, AlignGVGD, BLOSUM, MutationTaster) provide inconsistent predictions regarding the impact to the protein; this information is not predictive enough to assume pathogenicity. In summary, based on the above information the clinical significance of this variant cannot be determined with certainty at this time. This variant is classified as a variant of uncertain significance.

NM_017570.5(OPLAH):c.3517C>T (p.Arg1173Cys)

Gene: OPLAH (5-oxoprolinase, ATP-hydrolysing; minus strand). Cytogenetic location: 8q24.3.
Variant type: single nucleotide variant.
Coding change: c.3517C>T on transcript NM_017570.5 (MANE Select); coding-DNA position 3517, C replaced by T.
Protein change: p.Arg1173Cys; replaces arginine 1173 with cysteine.
Molecular consequence: missense variant.
Genome position (GRCh38, 1-based): chr8:144,052,021, G>A on the plus strand (C>T on the coding strand, the complement: OPLAH is on the minus strand). VCF-style: chr8-144052021-G-A. GRCh37 (hg19) VCF-style: chr8-145106922-G-A.
Other names: short protein forms R1173C.
Identifiers: ClinVar variation 1049984 (VCV001049984.1), dbSNP rs930565646, ClinGen allele CA187612601.